The following is an entry in ClinVar:

ClinVar aggregate classification (germline): Likely benign (0 of 4 stars; one submission).

Conditions:
RPGRIP1L-related disorder. Also called: RPGRIP1L-related condition; RPGRIP1L-related disorders. Identifiers: MedGen CN239416.

Submission:

PreventionGenetics, part of Exact Sciences
Classification: Likely benign for RPGRIP1L-related condition. Last evaluated: 2021-12-14. Review status: no assertion criteria provided. Collection method: clinical testing. Allele origin: germline.
Comment: This variant is classified as likely benign based on ACMG/AMP sequence variant interpretation guidelines (Richards et al. 2015 PMID: 25741868, with internal and published modifications).

NM_015272.5(RPGRIP1L):c.2736T>G (p.Val912=)

Gene: RPGRIP1L (RPGRIP1 like; minus strand). Cytogenetic location: 16q12.2.
Variant type: single nucleotide variant.
Coding change: c.2736T>G on transcript NM_015272.5 (MANE Select); coding-DNA position 2736, T replaced by G.
Protein change: p.Val912=; no amino-acid change (valine 912 retained).
Molecular consequence: synonymous variant.
Genome position (GRCh38, 1-based): chr16:53,641,423, A>C on the plus strand (T>G on the coding strand, the complement: RPGRIP1L is on the minus strand). VCF-style: chr16-53641423-A-C. GRCh37 (hg19) VCF-style: chr16-53675335-A-C.
Other names: c.2736T>G, p.Val912= (NM_001127897.4, NM_001308334.3, NM_001330538.2).
Identifiers: ClinVar variation 3354978 (VCV003354978.1).